The following is an entry in ClinVar:

ClinVar aggregate classification (germline): Uncertain significance (1 of 4 stars; one submission).

Allele frequency attached by ClinVar (database versions not stated): gnomAD 0.00001; TOPMed 0.00002; gnomAD exomes below 0.00001.
gnomAD v4.1: 4 of 1,614,066 alleles (0.00025%); highest among the groups gnomAD compares: African/African-American, 0.0013%; no homozygotes.

Submission:

Labcorp Genetics (formerly Invitae), Labcorp
Classification: Uncertain significance. Last evaluated: 2021-11-24. Review status: criteria provided, single submitter. Criteria: Invitae Variant Classification Sherloc (09022015). Collection method: clinical testing. Allele origin: germline.
Comment: This sequence change replaces arginine, which is basic and polar, with cysteine, which is neutral and slightly polar, at codon 236 of the LRRC10 protein (p.Arg236Cys). This variant is not present in population databases (gnomAD no frequency). This variant has not been reported in the literature in individuals affected with LRRC10-related conditions. Algorithms developed to predict the effect of missense changes on protein structure and function (SIFT, PolyPhen-2, Align-GVGD) all suggest that this variant is likely to be disruptive. In summary, the available evidence is currently insufficient to determine the role of this variant in disease. Therefore, it has been classified as a Variant of Uncertain Significance.

NM_201550.4(LRRC10):c.706C>T (p.Arg236Cys)

Gene: LRRC10 (leucine rich repeat containing 10; minus strand). Cytogenetic location: 12q15.
Variant type: single nucleotide variant.
Coding change: c.706C>T on transcript NM_201550.4 (MANE Select); coding-DNA position 706, C replaced by T.
Protein change: p.Arg236Cys; replaces arginine 236 with cysteine.
Molecular consequence: missense variant.
Genome position (GRCh38, 1-based): chr12:69,610,133, G>A on the plus strand (C>T on the coding strand, the complement: LRRC10 is on the minus strand). VCF-style: chr12-69610133-G-A. GRCh37 (hg19) VCF-style: chr12-70003913-G-A.
Other names: short protein forms R236C.
Identifiers: ClinVar variation 1355906 (VCV001355906.6), dbSNP rs867657812, ClinGen allele CA239126398.